The following is an entry in ClinVar:

ClinVar aggregate classification (germline): Likely benign (0 of 4 stars; one submission).

Conditions:
PCNT-related disorder. Also called: PCNT-related condition.

Submission:

PreventionGenetics, part of Exact Sciences
Classification: Likely benign for PCNT-related condition. Last evaluated: 2024-05-21. Review status: no assertion criteria provided. Collection method: clinical testing. Allele origin: germline.
Comment: This variant is classified as likely benign based on ACMG/AMP sequence variant interpretation guidelines (Richards et al. 2015 PMID: 25741868, with internal and published modifications).

NM_006031.6(PCNT):c.255C>T (p.Ala85=)

Gene: PCNT (pericentrin; plus strand). Cytogenetic location: 21q22.3.
Variant type: single nucleotide variant.
Coding change: c.255C>T on transcript NM_006031.6 (MANE Select); coding-DNA position 255, C replaced by T.
Protein change: p.Ala85=; no amino-acid change (alanine 85 retained).
Molecular consequence: synonymous variant. On other transcripts: 5 prime UTR variant (1).
Genome position (GRCh38, 1-based): chr21:46,326,577, C>T. VCF-style: chr21-46326577-C-T. GRCh37 (hg19) VCF-style: chr21-47746491-C-T.
Other names: c.-100C>T (NM_001315529.2).
Identifiers: ClinVar variation 3347264 (VCV003347264.1).